The following is an entry in ClinVar:

ClinVar aggregate classification (germline): not provided (0 of 4 stars; one submission).

Allele frequency attached by ClinVar (database versions not stated): gnomAD exomes 0.00002 and 0.00007; 1000 Genomes Project 30x 0.00016; TOPMed 0.00019; gnomAD 0.00020 and 0.00022.
gnomAD v4.1: 47 of 664,148 alleles (0.0071%); highest among the groups gnomAD compares: African/African-American, 0.06%; 1 homozygote.

Submission:

ITMI
No classification provided. Condition: AllHighlyPenetrant. Last evaluated: 2013-09-19. Review status: no classification provided. Collection method: reference population. Allele origin: germline.
Comment: Please see associated publication for description of ethnicities

Literature cited by the submitters: PubMed 24728327.

NM_000548.5(TSC2):c.336+229C>T

Gene: TSC2 (TSC complex subunit 2; plus strand). Cytogenetic location: 16p13.3.
Variant type: single nucleotide variant.
Coding change: c.336+229C>T on transcript NM_000548.5 (MANE Select); 229 bases into the intron after coding-DNA position 336, C replaced by T.
Molecular consequence: intron variant.
Genome position (GRCh38, 1-based): chr16:2,053,681, C>T. VCF-style: chr16-2053681-C-T. GRCh37 (hg19) VCF-style: chr16-2103682-C-T.
Other names: c.336+229C>T (NM_001114382.3, NM_021055.3, NM_001370405.1 and 3 more transcripts); c.226-615C>T (NM_001318827.2); c.-1-2515C>T (NM_001318831.2); c.189+229C>T (NM_001318829.2); c.369+229C>T (NM_001318832.2).
Identifiers: ClinVar variation 133427 (VCV000133427.1), dbSNP rs587778008, ClinGen allele CA018971.